The following is an entry in ClinVar:

ClinVar aggregate classification (germline): Benign (1 of 4 stars; one submission).

Conditions:
Familial cancer of breast. Also called: hereditary breast carcinoma; Hereditary breast cancer; BREAST CANCER, FAMILIAL. Identifiers: Orphanet 227535, MedGen C0346153, MONDO:0016419, OMIM 114480. Disease mechanism: loss of function.

Submission:

Myriad Genetics, Inc.
Classification: Benign for Familial cancer of breast. Last evaluated: 2024-07-23. Review status: criteria provided, single submitter. Criteria: Myriad Autosomal Dominant, Autosomal Recessive and X-Linked Classification Criteria (2023). Collection method: clinical testing. Allele origin: unknown.
Comment: This variant is considered benign. This variant is a silent/synonymous amino acid change and it is not expected to impact splicing.

NM_000465.4(BARD1):c.786A>G (p.Ala262=)

Gene: BARD1 (BRCA1 associated RING domain 1; minus strand). Cytogenetic location: 2q35.
Variant type: single nucleotide variant.
Coding change: c.786A>G on transcript NM_000465.4 (MANE Select); coding-DNA position 786, A replaced by G.
Protein change: p.Ala262=; no amino-acid change (alanine 262 retained).
Molecular consequence: synonymous variant. On other transcripts: non-coding transcript variant (2), intron variant (3).
Genome position (GRCh38, 1-based): chr2:214,781,088, T>C on the plus strand (A>G on the coding strand, the complement: BARD1 is on the minus strand). VCF-style: chr2-214781088-T-C. GRCh37 (hg19) VCF-style: chr2-215645812-T-C.
Other names: c.729A>G, p.Ala243= (NM_001282543.2); c.158+28324A>G (NM_001282548.2); c.215+15973A>G (NM_001282545.2); c.364+11209A>G (NM_001282549.2).
Identifiers: ClinVar variation 3378578 (VCV003378578.1).